The following is an entry in ClinVar:

NM_000208.4(INSR):c.3255C>T (p.His1085=)

Gene: INSR (insulin receptor; minus strand). Cytogenetic location: 19p13.2.
Variant type: single nucleotide variant.
Coding change: c.3255C>T on transcript NM_000208.4 (MANE Select); coding-DNA position 3255, C replaced by T.
Protein change: p.His1085=; no amino-acid change (histidine 1085 retained).
Molecular consequence: synonymous variant.
Genome position (GRCh38, 1-based): chr19:7,125,286, G>A on the plus strand (C>T on the coding strand, the complement: INSR is on the minus strand). VCF-style: chr19-7125286-G-A. GRCh37 (hg19) VCF-style: chr19-7125297-G-A.
Other names: c.3219C>T, p.His1073= (NM_001079817.3).
Identifiers: ClinVar variation 194701 (VCV000194701.27), dbSNP rs1799817, ClinGen allele CA201311.
Genomic context (GRCh38, chr19:7,125,286, plus strand): 5'-GCAGAGAAAGGGAAGGGTCAGGAAAGCCAGCCCATGTCCCACCCCCACTGGACTCACCAC[G>A]TGATGGCAGGTGAAGCCCTTCATGACCGAGGCCTCATTGAGGAACTCAATCCGCTCTCGG-3'
Protein context (NP_000199.2, residues 1075-1095): ASVMKGFTCH[His1085=]VVRLLGVVSK

ClinVar aggregate classification (germline): Benign. Review status: criteria provided, multiple submitters, no conflicts (2 of 4 stars). 9 submissions from 7 submitters: Benign (9). Last evaluated 2026-02-04.

Conditions:
Rabson-Mendenhall syndrome. Also called: Pineal Hyperplasia, Insulin-Resistant Diabetes Mellitus, and Somatic Abnormalities; Pineal hyperplasia AND diabetes mellitus syndrome; MENDENHALL SYNDROME. Identifiers: Orphanet 769, MedGen C0271695, MONDO:0009874, OMIM 262190.
Insulin-resistant diabetes mellitus AND acanthosis nigricans. Also called: type A insulin resistance; Insulin-resistance syndrome type A; DIABETES MELLITUS, INSULIN-RESISTANT, WITH ACANTHOSIS NIGRICANS, TYPE A; INSULIN RECEPTOR, DEFECT IN, WITH INSULIN-RESISTANT DIABETES MELLITUS AND ACANTHOSIS NIGRICANS; IRAN, TYPE A. Identifiers: Orphanet 2297, MedGen C0342278, MONDO:0012520, OMIM 610549.
Leprechaunism syndrome. Also called: Donohue syndrome; LEPRECHAUNISM. Identifiers: Orphanet 508, MedGen C0265344, MONDO:0009517, OMIM 246200.

Allele frequency attached by ClinVar (database versions not stated): ESP Exome Variant Server 0.19084; gnomAD exomes 0.19787 and 0.22702; gnomAD 0.20288 and 0.21009; TOPMed 0.21443; ExAC 0.22732; 1000 Genomes Project 30x 0.28732; 1000 Genomes Project 0.29253.
gnomAD v4.1: 322,008 of 1,613,618 alleles (20%); highest among the groups gnomAD compares: East Asian, 37%; 34,069 homozygotes.

Submissions (9):

Labcorp Genetics (formerly Invitae), Labcorp
Classification: Benign. Last evaluated: 2026-02-04. Review status: criteria provided, single submitter. Criteria: Invitae Variant Classification Sherloc (09022015). Collection method: clinical testing. Allele origin: germline.

Blueprint Genetics
Classification: Benign. Last evaluated: 2024-11-28. Review status: criteria provided, single submitter. Criteria: ACMG Guidelines, 2015. Collection method: clinical testing. Allele origin: germline.

ARUP Laboratories, Molecular Genetics and Genomics, ARUP Laboratories
Classification: Benign. Last evaluated: 2021-01-14. Review status: criteria provided, single submitter. Criteria: ARUP Molecular Germline Variant Investigation Process 2021. Collection method: clinical testing. Allele origin: germline.

GeneDx
Classification: Benign. Last evaluated: 2018-11-12. Review status: criteria provided, single submitter. Criteria: GeneDx Variant Classification Process June 2021. Collection method: clinical testing. Allele origin: germline. Affected: yes.
Comment: This variant is associated with the following publications: (PMID: 19211708, 19926323, 22775283)

Illumina Laboratory Services, Illumina
Classification: Benign for Rabson-Mendenhall syndrome. Last evaluated: 2018-01-15. Review status: criteria provided, single submitter. Criteria: ICSL Variant Classification Criteria 13 December 2019. Collection method: clinical testing. Allele origin: germline.
Comment: This variant was observed as part of a predisposition screen in an ostensibly healthy population. A literature search was performed for the gene, cDNA change, and amino acid change (where applicable). No publications were found based on this search. Allele frequency data from public databases was too high to be consistent with this variant causing disease. Therefore, this variant is classified as benign.

Illumina Laboratory Services, Illumina
Classification: Benign for Leprechaunism syndrome. Last evaluated: 2017-04-27. Review status: criteria provided, single submitter. Criteria: ICSL Variant Classification Criteria 13 December 2019. Collection method: clinical testing. Allele origin: germline.
Comment: the same text as in the submission from Illumina Laboratory Services, Illumina above.

Illumina Laboratory Services, Illumina
Classification: Benign for Insulin-resistant diabetes mellitus AND acanthosis nigricans. Last evaluated: 2017-04-27. Review status: criteria provided, single submitter. Criteria: ICSL Variant Classification Criteria 13 December 2019. Collection method: clinical testing. Allele origin: germline.
Comment: This variant was observed as part of a predisposition screen in an ostensibly healthy population. A literature search was performed for the gene, cDNA change, and amino acid change (where applicable). Publications were found based on this search. The evidence from the literature, in combination with allele frequency data from public databases where available, was sufficient to rule this variant out of causing disease. Therefore, this variant is classified as benign.

Eurofins Ntd Llc (ga)
Classification: Benign. Last evaluated: 2015-05-08. Review status: criteria provided, single submitter. Criteria: EGL Classification Definitions 2015. Collection method: clinical testing. Allele origin: germline. Observed: 2 variant alleles, 2 heterozygotes.

Breakthrough Genomics
Classification: Benign. Review status: criteria provided, single submitter. Criteria: ACMG Guidelines, 2015. Collection method: not provided. Allele origin: germline. Inheritance: Autosomal recessive inheritance. Affected: yes.

Literature cited by the submitters: PubMed 22775283 (cited by Illumina Laboratory Services, Illumina).